The following is an entry in ClinVar:

ClinVar aggregate classification (germline): Conflicting classifications of pathogenicity. Review status: criteria provided, conflicting classifications (1 of 4 stars). 3 submissions from 3 submitters: Pathogenic (1); Uncertain significance (2). Last evaluated 2025-08-18.

Conditions:
Cardiovascular phenotype. Identifiers: MedGen CN230736.
Myofibrillar myopathy 4. Also called: Zaspopathy (type). Identifiers: Orphanet 98912, MedGen C4721886, MONDO:0012277, OMIM 609452.
Dilated cardiomyopathy 1C (CMD1C). Also called: Cardiomyopathy, dilated, 1C, with or without LVNC; CARDIOMYOPATHY, DILATED, 1C, WITH OR WITHOUT LEFT VENTRICULAR NONCOMPACTION. Identifiers: Orphanet 154, Orphanet 54260, MedGen C1832244, MONDO:0011094, OMIM 601493.

Submissions (3):

Labcorp Genetics (formerly Invitae), Labcorp
Classification: Pathogenic for Myofibrillar myopathy 4. Last evaluated: 2025-08-18. Review status: criteria provided, single submitter. Criteria: Invitae Variant Classification Sherloc (09022015). Collection method: clinical testing. Allele origin: germline.
Comment: The LDB3 gene has multiple clinically relevant transcripts. This variant occurs in alternate transcript NM_007078.3, and corresponds to NM_001080116.1:c.321+1505del (Intronic) in the primary transcript. This sequence change creates a premature translational stop signal (p.Pro183Glnfs*25) in the LDB3 gene. It is expected to result in an absent or disrupted protein product. Loss-of-function variants in LDB3 are known to be pathogenic (PMID: 36253531). This variant is present in population databases (no rsID available, gnomAD 0.0009%). This variant has not been reported in the literature in individuals affected with LDB3-related conditions. ClinVar contains an entry for this variant (Variation ID: 518778). Algorithms developed to predict the effect of sequence changes on RNA splicing suggest that this variant is not likely to affect RNA splicing. For these reasons, this variant has been classified as Pathogenic.

Ambry Genetics
Classification: Uncertain significance for Cardiovascular phenotype. Last evaluated: 2025-02-17. Review status: criteria provided, single submitter. Criteria: Ambry Variant Classification Scheme 2023. Collection method: clinical testing. Allele origin: germline.
Comment: The c.548delC variant, located in coding exon 4 of the LDB3 gene, results from a deletion of one nucleotide at nucleotide position 548, causing a translational frameshift with a predicted alternate stop codon (p.P183Qfs*25). This alteration is expected to result in protein truncation or nonsense-mediated mRNA decay. However, loss of function of LDB3 has not been established as a mechanism of disease. Based on the available evidence, the clinical significance of this variant remains unclear.

Fulgent Genetics
Classification: Uncertain significance for Dilated cardiomyopathy 1C; Myofibrillar myopathy 4. Last evaluated: 2021-09-17. Review status: criteria provided, single submitter. Criteria: ACMG Guidelines, 2015. Collection method: clinical testing. Allele origin: unknown.

Literature cited by the submitters: PubMed 36253531 (cited by Labcorp Genetics (formerly Invitae), Labcorp); PubMed 11696561 (cited by Ambry Genetics); PubMed 19028670 (cited by Ambry Genetics).

NM_007078.3(LDB3):c.548del (p.Pro183fs)

Gene: LDB3 (LIM domain binding 3; plus strand). Cytogenetic location: 10q23.2.
Variant type: Deletion.
Coding change: c.548del on transcript NM_007078.3 (MANE Select); coding-DNA position 548, one base deleted (C; older notation c.548delC).
Protein change: p.Pro183fs; shifts the reading frame from proline 183.
Molecular consequence: frameshift variant. On other transcripts: intron variant (5).
Genome position (GRCh38, 1-based): chr10:86,681,662, C deleted; the last of 3 consecutive C bases (chr10:86,681,660-86,681,662); deleting any one gives the same sequence. VCF-style (leftmost placement, unchanged base first): chr10-86681659-GC-G. GRCh37 (hg19) VCF-style: chr10-88441416-GC-G.
Other names: c.548del, p.Pro183fs (NM_001080115.2, NM_001171610.2, NM_001171611.2 and 3 more transcripts); c.321+1505del (NM_001368068.1, NM_001368066.1, NM_001080114.2 and 2 more transcripts); c.548del (NM_007078.2); short protein forms P183fs.
Identifiers: ClinVar variation 518778 (VCV000518778.16), dbSNP rs1285270306, ClinGen allele CA595183521.
Genomic context (GRCh38, chr10:86,681,659, plus strand): 5'-GCCCTCCGCGGGCCAGCCTGAGGGCCAAGACCAGCCCAGAGGGGGCCCGGGACCTACTCG[GC>G]CCAAAAGCCCTGCCGGGCTCGAGCCAGCCGAGGCAATATAACAACCCCATTGGCCTGTAC-3'